The following is an entry in ClinVar:

NM_144670.6(A2ML1):c.462+18G>A

Genes: A2ML1 (alpha-2-macroglobulin like 1; plus strand), A2ML1-AS1 (A2ML1 antisense RNA 1; minus strand). Cytogenetic location: 12p13.31.
Variant type: single nucleotide variant.
Coding change: c.462+18G>A on transcript NM_144670.6 (MANE Select); 18 bases into the intron after coding-DNA position 462, G replaced by A.
Molecular consequence: intron variant.
Genome position (GRCh38, 1-based): chr12:8,829,797, G>A. VCF-style: chr12-8829797-G-A. GRCh37 (hg19) VCF-style: chr12-8982393-G-A.
Identifiers: ClinVar variation 928817 (VCV000928817.9), dbSNP rs114265494, ClinGen allele CA6435288.
Genomic context (GRCh38, chr12:8,829,797, plus strand): 5'-CATTGTCACCATGGATAGCAACTTCGTTCCAGTGAATGACAAGGTGAGTTGGGAGGAGGA[G>A]AAGGAGTGGCGCAGGGAGAACAGGGAAAAGGATGAGAGATTCTCTAGGGTGGAAGTCCTC-3'

ClinVar aggregate classification (germline): Benign. Review status: criteria provided, multiple submitters, no conflicts (2 of 4 stars). 2 submissions from 2 submitters: Benign (2). Last evaluated 2026-02-02.

Allele frequency attached by ClinVar (database versions not stated): gnomAD 0.00338 and 0.00352; TOPMed 0.00349; ESP Exome Variant Server 0.00353; 1000 Genomes Project 0.00499.
gnomAD v4.1: 999 of 1,613,918 alleles (0.062%); highest among the groups gnomAD compares: African/African-American, 1.2%; 4 homozygotes.

Submissions (2):

Labcorp Genetics (formerly Invitae), Labcorp
Classification: Benign. Last evaluated: 2026-02-02. Review status: criteria provided, single submitter. Criteria: Invitae Variant Classification Sherloc (09022015). Collection method: clinical testing. Allele origin: germline.

Women's Health and Genetics/Laboratory Corporation of America, LabCorp
Classification: Benign. Last evaluated: 2019-09-30. Review status: criteria provided, single submitter. Criteria: LabCorp Variant Classification Summary - May 2015. Collection method: clinical testing. Allele origin: germline.
Comment: Variant summary: A2ML1 c.462+18G>A alters a non-conserved nucleotide located close to a canonical splice site and therefore could affect mRNA splicing, leading to a significantly altered protein sequence. 5/5 computational tools predict no significant impact on normal splicing. However, these predictions have yet to be confirmed by functional studies. The variant allele was found at a frequency of 0.00075 in 249458 control chromosomes, predominantly at a frequency of 0.011 within the African or African-American subpopulation in the gnomAD database. The observed variant frequency within African or African-American control individuals in the gnomAD database is approximately 2750-folds over the estimated maximal expected allele frequency for a pathogenic variant in A2ML1 causing Noonan Syndrome phenotype (4e-06), strongly suggesting that the variant is a benign polymorphism found primarily in populations of African or African-American origin. To our knowledge, no occurrence of c.462+18G>A in individuals affected with Noonan Syndrome and no experimental evidence demonstrating its impact on protein function have been reported. No clinical diagnostic laboratories have submitted clinical-significance assessments for this variant to ClinVar after 2014. Based on the evidence outlined above, the variant was classified as benign.